The following is an entry in ClinVar:

ClinVar aggregate classification (germline): Uncertain significance (1 of 4 stars; one submission).

Submission:

Labcorp Genetics (formerly Invitae), Labcorp
Classification: Uncertain significance. Last evaluated: 2023-07-17. Review status: criteria provided, single submitter. Criteria: Invitae Variant Classification Sherloc (09022015). Collection method: clinical testing. Allele origin: germline.
Comment: This variant is not present in population databases (gnomAD no frequency). In summary, the available evidence is currently insufficient to determine the role of this variant in disease. Therefore, it has been classified as a Variant of Uncertain Significance. This variant disrupts the p.Asp273 amino acid residue in COMP. Other variant(s) that disrupt this residue have been observed in individuals with COMP-related conditions (PMID: 24595329), which suggests that this may be a clinically significant amino acid residue. Advanced modeling of protein sequence and biophysical properties (such as structural, functional, and spatial information, amino acid conservation, physicochemical variation, residue mobility, and thermodynamic stability) performed at Invitae indicates that this missense variant is expected to disrupt COMP protein function. ClinVar contains an entry for this variant (Variation ID: 1398669). This missense change has been observed in individual(s) with pseudoachondroplasia (Invitae). This sequence change replaces aspartic acid, which is acidic and polar, with histidine, which is basic and polar, at codon 273 of the COMP protein (p.Asp273His).

Literature cited by the submitters: PubMed 24595329.

NM_000095.3(COMP):c.817G>C (p.Asp273His)

Gene: COMP (cartilage oligomeric matrix protein; minus strand). Cytogenetic location: 19p13.11.
Variant type: single nucleotide variant.
Coding change: c.817G>C on transcript NM_000095.3 (MANE Select); coding-DNA position 817, G replaced by C.
Protein change: p.Asp273His; replaces aspartic acid 273 with histidine.
Molecular consequence: missense variant.
Genome position (GRCh38, 1-based): chr19:18,788,460, C>G on the plus strand (G>C on the coding strand, the complement: COMP is on the minus strand). VCF-style: chr19-18788460-C-G. GRCh37 (hg19) VCF-style: chr19-18899269-C-G.
Other names: short protein forms D273H.
Identifiers: ClinVar variation 1398669 (VCV001398669.6), dbSNP rs2145903428, ClinGen allele CA404892672.
Genomic context (GRCh38, chr19:18,788,460, plus strand): 5'-CCCCACCCACCTTACGGCACTGGCGCTCCGGGCAGCGCAGCTTCTCGTCCGGGAAGCCGT[C>G]TAGGTCAGTGTCGCGACCACAGAGGATCCCGTTGCCGGCCCAGCCAACGGCACACTGTGG-3'
Protein context (NP_000086.2, residues 263-283): GILCGRDTDL[Asp273His]GFPDEKLRCP